The following is an entry in ClinVar:

NM_001267550.2(TTN):c.48373T>C (p.Tyr16125His)

Genes: TTN (titin; minus strand), TTN-AS1 (TTN antisense RNA 1; plus strand). Cytogenetic location: 2q31.2.
Variant type: single nucleotide variant.
Coding change: c.48373T>C on transcript NM_001267550.2 (MANE Select); coding-DNA position 48373, T replaced by C.
Protein change: p.Tyr16125His; replaces tyrosine 16125 with histidine.
Molecular consequence: missense variant.
Genome position (GRCh38, 1-based): chr2:178,615,728, A>G on the plus strand (T>C on the coding strand, the complement: TTN is on the minus strand). VCF-style: chr2-178615728-A-G. GRCh37 (hg19) VCF-style: chr2-179480455-A-G.
Other names: c.43450T>C, p.Tyr14484His (NM_001256850.1); c.21178T>C, p.Tyr7060His (NM_003319.4); c.40669T>C, p.Tyr13557His (NM_133378.4); c.21553T>C, p.Tyr7185His (NM_133432.3); c.21754T>C, p.Tyr7252His (NM_133437.4); short protein forms Y13557H, Y14484H, Y16125H, Y7060H, Y7185H, Y7252H.
Identifiers: ClinVar variation 4854373 (VCV004854373.1).

ClinVar aggregate classification (germline): Uncertain significance (1 of 4 stars; one submission).

Conditions:
TTN-related disorder. Also called: TTN-related disorders; TTN-related condition; TTN-related disease.

Submission:

3billion
Classification: Uncertain significance for TTN-related disorder. Last evaluated: 2025-10-23. Review status: criteria provided, single submitter. Criteria: ACMG Guidelines, 2015. Collection method: clinical testing. Allele origin: germline. Affected: yes.
Comment: The variant is not observed in the gnomAD v4.1.0 dataset. Predicted Consequence/Location: Missense variant. The majority of the known disease-causing variants of this gene are variants expected to result in premature termination of the protein. In silico tool predictions suggest damaging effect of the variant on gene or gene product [REVEL: 0.87 (>=0.6, sensitivity 0.68 and specificity 0.92)]. Therefore, this variant is classified as VUS according to the recommendation of ACMG/AMP guideline.